The following is an entry in ClinVar:

NM_006231.4(POLE):c.1360-8C>T

Gene: POLE (DNA polymerase epsilon, catalytic subunit; minus strand). Cytogenetic location: 12q24.33.
Variant type: single nucleotide variant.
Coding change: c.1360-8C>T on transcript NM_006231.4 (MANE Select); 8 bases into the intron before coding-DNA position 1360, C replaced by T.
Molecular consequence: intron variant.
Genome position (GRCh38, 1-based): chr12:132,673,285, G>A on the plus strand (C>T on the coding strand, the complement: POLE is on the minus strand). VCF-style: chr12-132673285-G-A. GRCh37 (hg19) VCF-style: chr12-133249871-G-A.
Identifiers: ClinVar variation 473455 (VCV000473455.9), dbSNP rs1555228513, ClinGen allele CA658658220.

ClinVar aggregate classification (germline): Likely benign. Review status: criteria provided, multiple submitters, no conflicts (2 of 4 stars). 2 submissions from 2 submitters: Likely benign (2). Last evaluated 2025-02-11.

Conditions:
Colorectal cancer, susceptibility to, 12 (CRCS12). Also called: COLORECTAL CANCER, SUSCEPTIBILITY TO, ON CHROMOSOME 12q24. Identifiers: Orphanet 220460, MedGen C3554460, MONDO:0014038, OMIM 615083.

Submissions (2):

Myriad Genetics, Inc.
Classification: Likely benign for Colorectal cancer, susceptibility to, 12. Last evaluated: 2025-02-11. Review status: criteria provided, single submitter. Criteria: Myriad Autosomal Dominant, Autosomal Recessive and X-Linked Classification Criteria (2023). Collection method: clinical testing. Allele origin: unknown.
Comment: This variant is considered likely benign. This variant is intronic and is not expected to impact mRNA splicing.

Labcorp Genetics (formerly Invitae), Labcorp
Classification: Likely benign. Last evaluated: 2017-05-18. Review status: criteria provided, single submitter. Criteria: Invitae Variant Classification Sherloc (09022015). Collection method: clinical testing. Allele origin: germline.